The following is an entry in ClinVar:

ClinVar aggregate classification (germline): Uncertain significance. Review status: criteria provided, multiple submitters, no conflicts (2 of 4 stars). 2 submissions from 2 submitters: Uncertain significance (2). Last evaluated 2024-03-31.

Conditions:
Familial hemophagocytic lymphohistiocytosis 5. Also called: STXBP2-Related Familial Hemophagocytic Lymphohistiocytosis (STXBP2-fHLH). Identifiers: Orphanet 540, MedGen C2751293, MONDO:0013135, OMIM 613101.
Inborn genetic diseases. Identifiers: MedGen C0950123, MeSH D030342.

Allele frequency attached by ClinVar (database versions not stated): TOPMed below 0.00001; gnomAD exomes 0.00001 and 0.00002.
gnomAD v4.1: 9 of 1,614,074 alleles (0.00056%); highest among the groups gnomAD compares: Middle Eastern, 0.016%; 1 homozygote.

Submissions (2):

Ambry Genetics
Classification: Uncertain significance for Inborn genetic diseases. Last evaluated: 2024-03-31. Review status: criteria provided, single submitter. Criteria: Ambry Variant Classification Scheme 2023. Collection method: clinical testing. Allele origin: germline.

Labcorp Genetics (formerly Invitae), Labcorp
Classification: Uncertain significance for Familial hemophagocytic lymphohistiocytosis 5. Last evaluated: 2022-08-03. Review status: criteria provided, single submitter. Criteria: Invitae Variant Classification Sherloc (09022015). Collection method: clinical testing. Allele origin: germline.
Comment: This sequence change replaces glycine, which is neutral and non-polar, with serine, which is neutral and polar, at codon 220 of the STXBP2 protein (p.Gly220Ser). This variant is present in population databases (no rsID available, gnomAD 0.006%). This variant has not been reported in the literature in individuals affected with STXBP2-related conditions. ClinVar contains an entry for this variant (Variation ID: 957856). Algorithms developed to predict the effect of missense changes on protein structure and function are either unavailable or do not agree on the potential impact of this missense change (SIFT: "Tolerated"; PolyPhen-2: "Probably Damaging"; Align-GVGD: "Class C0"). In summary, the available evidence is currently insufficient to determine the role of this variant in disease. Therefore, it has been classified as a Variant of Uncertain Significance.

NM_006949.4(STXBP2):c.658G>A (p.Gly220Ser)

Gene: STXBP2 (syntaxin binding protein 2; plus strand). Cytogenetic location: 19p13.2.
Variant type: single nucleotide variant.
Coding change: c.658G>A on transcript NM_006949.4 (MANE Select); coding-DNA position 658, G replaced by A.
Protein change: p.Gly220Ser; replaces glycine 220 with serine.
Molecular consequence: missense variant. On other transcripts: non-coding transcript variant (1).
Genome position (GRCh38, 1-based): chr19:7,642,113, G>A. VCF-style: chr19-7642113-G-A. GRCh37 (hg19) VCF-style: chr19-7706999-G-A.
Other names: c.658G>A (NM_006949.2); c.649G>A, p.Gly217Ser (NM_001127396.3); c.691G>A, p.Gly231Ser (NM_001272034.2); short protein forms G217S, G231S, G220S.
Identifiers: ClinVar variation 957856 (VCV000957856.8), dbSNP rs1414767497, ClinGen allele CA403158680.
Genomic context (GRCh38, chr19:7,642,113, plus strand): 5'-CAGTTGGCCCACGCCGTCCTGGCCAAGCTGAACGCCTTCAAGGCAGACACTCCCAGTCTG[G>A]GCGAGGTGAGGGGGCGTGCTTGGGAGGTGAGGGGCAGCCCCAACCGGCTCAGGGTCAGTG-3'
Protein context (NP_008880.2, residues 210-230): NAFKADTPSL[Gly220Ser]EGPEKTRSQL